The following is an entry in ClinVar:

NM_002161.6(IARS1):c.2836C>T (p.Arg946Cys)

Gene: IARS1 (isoleucyl-tRNA synthetase 1; minus strand). Cytogenetic location: 9q22.31.
Variant type: single nucleotide variant.
Coding change: c.2836C>T on transcript NM_002161.6 (MANE Select); coding-DNA position 2836, C replaced by T.
Protein change: p.Arg946Cys; replaces arginine 946 with cysteine.
Molecular consequence: missense variant. On other transcripts: non-coding transcript variant (1).
Genome position (GRCh38, 1-based): chr9:92,245,027, G>A on the plus strand (C>T on the coding strand, the complement: IARS1 is on the minus strand). VCF-style: chr9-92245027-G-A. GRCh37 (hg19) VCF-style: chr9-95007309-G-A.
Other names: c.2761C>T, p.Arg921Cys (NM_001374299.1, NM_001374300.1, NM_001378584.1); c.2752C>T, p.Arg918Cys (NM_001374301.1); c.2899C>T, p.Arg967Cys (NM_001378569.1); c.2857C>T, p.Arg953Cys (NM_001378571.1); c.2836C>T, p.Arg946Cys (NM_001378572.1, NM_001378573.1, NM_001378574.1 and 9 more transcripts); c.2740C>T, p.Arg914Cys (NM_001378582.1); c.2713C>T, p.Arg905Cys (NM_001378583.1); c.2836C>T (NM_013417.2); short protein forms R918C, R921C, R967C, R905C, R914C, R946C, R953C.
Identifiers: ClinVar variation 2081673 (VCV002081673.4), dbSNP rs751538626, ClinGen allele CA5122082.

ClinVar aggregate classification (germline): Uncertain significance. Review status: criteria provided, multiple submitters, no conflicts (2 of 4 stars). 2 submissions from 2 submitters: Uncertain significance (2). Last evaluated 2024-04-01.

Allele frequency attached by ClinVar (database versions not stated): gnomAD exomes 0.00002; gnomAD 0.00006; ExAC 0.00007; TOPMed 0.00007.
gnomAD v4.1: 38 of 1,614,022 alleles (0.0024%); highest among the groups gnomAD compares: Admixed American, 0.023%; no homozygotes.

Submissions (2):

Ambry Genetics
Classification: Uncertain significance. Last evaluated: 2024-04-01. Review status: criteria provided, single submitter. Criteria: Ambry Variant Classification Scheme 2023. Collection method: clinical testing. Allele origin: germline.

Labcorp Genetics (formerly Invitae), Labcorp
Classification: Uncertain significance. Last evaluated: 2023-11-27. Review status: criteria provided, single submitter. Criteria: Invitae Variant Classification Sherloc (09022015). Collection method: clinical testing. Allele origin: germline.
Comment: This sequence change replaces arginine, which is basic and polar, with cysteine, which is neutral and slightly polar, at codon 946 of the IARS protein (p.Arg946Cys). This variant is present in population databases (rs751538626, gnomAD 0.04%). This variant has not been reported in the literature in individuals affected with IARS-related conditions. ClinVar contains an entry for this variant (Variation ID: 2081673). An algorithm developed to predict the effect of missense changes on protein structure and function (PolyPhen-2) suggests that this variant¬†is likely to be tolerated. In summary, the available evidence is currently insufficient to determine the role of this variant in disease. Therefore, it has been classified as a Variant of Uncertain Significance.